The following is an entry in ClinVar:

NM_007126.5(VCP):c.1874G>C (p.Arg625Pro)

Gene: VCP (valosin containing protein; minus strand). Cytogenetic location: 9p13.3.
Variant type: single nucleotide variant.
Coding change: c.1874G>C on transcript NM_007126.5 (MANE Select); coding-DNA position 1874, G replaced by C.
Protein change: p.Arg625Pro; replaces arginine 625 with proline.
Molecular consequence: missense variant.
Genome position (GRCh38, 1-based): chr9:35,059,623, C>G on the plus strand (G>C on the coding strand, the complement: VCP is on the minus strand). VCF-style: chr9-35059623-C-G. GRCh37 (hg19) VCF-style: chr9-35059620-C-G.
Other names: c.1739G>C, p.Arg580Pro (NM_001354927.2, NM_001354928.2); short protein forms R580P, R625P.
Identifiers: ClinVar variation 2444456 (VCV002444456.2), dbSNP rs2490348146, ClinGen allele CA373275600.

ClinVar aggregate classification (germline): Pathogenic (1 of 4 stars; one submission).

Conditions:
Global developmental delay (DD). Also called: Cognitive delay. Identifiers: MedGen C0557874, HP:0001263. Disease mechanism: loss of function.

Submission:

Tgen's Center for Rare Childhood Disorders, Translational Genomics Research Institute (tgen)
Classification: Pathogenic for Global developmental delay. Last evaluated: 2023-02-26. Review status: criteria provided, single submitter. Criteria: ACMG Guidelines, 2015. Collection method: clinical testing. Allele origin: germline. Inheritance: Autosomal dominant inheritance. Affected: yes. Observed: 1 heterozygote.
Comment: The Arg625Pro variant in VCP is interpreted as pathogenic according to ACMG criteria (PS2 de novo with maternity/paternity confirmed, PS MetaRNN = 0.989, PM2 variant not found in gnomAD exomes or genomes, and PP2 61 out of 63 non-VUS missense variants in gene VCP are pathogenic).